The following is an entry in ClinVar:

ClinVar aggregate classification (germline): Uncertain significance. Review status: criteria provided, multiple submitters, no conflicts (2 of 4 stars). 3 submissions from 3 submitters: Uncertain significance (2). 1 of the submissions does not count toward it. Last evaluated 2023-02-11.

Conditions:
Ehlers-Danlos syndrome, dermatosparaxis type. Also called: Dermatosparaxis; Ehlers-Danlos syndrome, type VII, autosomal recessive; EDS VIIC. Identifiers: Orphanet 1901, MedGen C2700425, MONDO:0009161, OMIM 225410.

Allele frequency attached by ClinVar (database versions not stated): gnomAD exomes 0.00001 and 0.00002; ExAC 0.00004; TOPMed 0.00011; gnomAD 0.00014 and 0.00016; ESP Exome Variant Server 0.00015.
gnomAD v4.1: 39 of 1,611,392 alleles (0.0024%); highest among the groups gnomAD compares: African/African-American, 0.049%; no homozygotes.

Submissions (3):

Women's Health and Genetics/Laboratory Corporation of America, LabCorp
Classification: Uncertain significance. Last evaluated: 2023-02-11. Review status: criteria provided, single submitter. Criteria: LabCorp Variant Classification Summary - May 2015. Collection method: clinical testing. Allele origin: germline.

Labcorp Genetics (formerly Invitae), Labcorp
Classification: Uncertain significance for Ehlers-Danlos syndrome, dermatosparaxis type. Last evaluated: 2021-08-31. Review status: criteria provided, single submitter. Criteria: Invitae Variant Classification Sherloc (09022015). Collection method: clinical testing. Allele origin: germline.
Comment: This sequence change falls in intron 10 of the ADAMTS2 gene. It does not directly change the encoded amino acid sequence of the ADAMTS2 protein. It affects a nucleotide within the consensus splice site of the intron. This variant is present in population databases (rs377268307, ExAC 0.05%). This variant has not been reported in the literature in individuals affected with ADAMTS2-related conditions. Variants that disrupt the consensus splice site are a relatively common cause of aberrant splicing (PMID: 17576681, 9536098). Algorithms developed to predict the effect of sequence changes on RNA splicing suggest that this variant is not likely to affect RNA splicing. In summary, the available evidence is currently insufficient to determine the role of this variant in disease. Therefore, it has been classified as a Variant of Uncertain Significance.

Natera, Inc.
Classification: Uncertain significance for Ehlers-Danlos syndrome type VIIC. Last evaluated: 2020-02-13. Review status: no assertion criteria provided. Collection method: clinical testing. Allele origin: germline. Not counted in ClinVar's aggregate classification.

Literature cited by the submitters: PubMed 17576681 (cited by Labcorp Genetics (formerly Invitae), Labcorp); PubMed 9536098 (cited by Labcorp Genetics (formerly Invitae), Labcorp).

NM_014244.5(ADAMTS2):c.1629+6G>A

Gene: ADAMTS2 (ADAM metallopeptidase with thrombospondin type 1 motif 2; minus strand). Cytogenetic location: 5q35.3.
Variant type: single nucleotide variant.
Coding change: c.1629+6G>A on transcript NM_014244.5 (MANE Select); 6 bases into the intron after coding-DNA position 1629, G replaced by A.
Molecular consequence: intron variant.
Genome position (GRCh38, 1-based): chr5:179,152,136, C>T on the plus strand (G>A on the coding strand, the complement: ADAMTS2 is on the minus strand). VCF-style: chr5-179152136-C-T. GRCh37 (hg19) VCF-style: chr5-178579137-C-T.
Other names: c.1629+6G>A (NM_021599.4).
Identifiers: ClinVar variation 936906 (VCV000936906.10), dbSNP rs377268307, ClinGen allele CA3595846.